The following is an entry in ClinVar:

NM_007347.5(AP4E1):c.1124A>C (p.Gln375Pro)

Gene: AP4E1 (adaptor related protein complex 4 subunit epsilon 1; plus strand). Cytogenetic location: 15q21.2.
Variant type: single nucleotide variant.
Coding change: c.1124A>C on transcript NM_007347.5 (MANE Select); coding-DNA position 1124, A replaced by C.
Protein change: p.Gln375Pro; replaces glutamine 375 with proline.
Molecular consequence: missense variant.
Genome position (GRCh38, 1-based): chr15:50,941,723, A>C. VCF-style: chr15-50941723-A-C. GRCh37 (hg19) VCF-style: chr15-51233920-A-C.
Other names: c.1124A>C (NM_007347.3); c.899A>C, p.Gln300Pro (NM_001252127.2); short protein forms Q375P, Q300P.
Identifiers: ClinVar variation 2066538 (VCV002066538.7), dbSNP rs759285617, ClinGen allele CA7558981.

ClinVar aggregate classification (germline): Uncertain significance. Review status: criteria provided, multiple submitters, no conflicts (2 of 4 stars). 2 submissions from 2 submitters: Uncertain significance (2). Last evaluated 2025-09-28.

Conditions:
Inborn genetic diseases. Identifiers: MedGen C0950123, MeSH D030342.
Spastic paraplegia. Identifiers: MedGen C0037772, HP:0001258.

Allele frequency attached by ClinVar (database versions not stated): gnomAD exomes 0.00001; ExAC 0.00002.
gnomAD v4.1: 7 of 1,613,602 alleles (0.00043%); highest among the groups gnomAD compares: Non-Finnish European, 0.00059%; no homozygotes.

Submissions (2):

Ambry Genetics
Classification: Uncertain significance for Inborn genetic diseases. Last evaluated: 2025-09-28. Review status: criteria provided, single submitter. Criteria: Ambry Variant Classification Scheme 2023. Collection method: clinical testing. Allele origin: germline.

Labcorp Genetics (formerly Invitae), Labcorp
Classification: Uncertain significance for Spastic paraplegia. Last evaluated: 2024-11-11. Review status: criteria provided, single submitter. Criteria: Invitae Variant Classification Sherloc (09022015). Collection method: clinical testing. Allele origin: germline.
Comment: This sequence change replaces glutamine, which is neutral and polar, with proline, which is neutral and non-polar, at codon 375 of the AP4E1 protein (p.Gln375Pro). This variant is present in population databases (rs759285617, gnomAD 0.003%). This variant has not been reported in the literature in individuals affected with AP4E1-related conditions. ClinVar contains an entry for this variant (Variation ID: 2066538). An algorithm developed to predict the effect of missense changes on protein structure and function (PolyPhen-2) suggests that this variant is likely to be disruptive. In summary, the available evidence is currently insufficient to determine the role of this variant in disease. Therefore, it has been classified as a Variant of Uncertain Significance.